The following is an entry in ClinVar:

NM_004260.4(RECQL4):c.1236G>A (p.Trp412Ter)

Gene: RECQL4 (RecQ like helicase 4; minus strand). Cytogenetic location: 8q24.3.
Variant type: single nucleotide variant.
Coding change: c.1236G>A on transcript NM_004260.4 (MANE Select); coding-DNA position 1236, G replaced by A.
Protein change: p.Trp412Ter; replaces tryptophan 412 with a stop codon.
Molecular consequence: nonsense.
Genome position (GRCh38, 1-based): chr8:144,515,786, C>T on the plus strand (G>A on the coding strand, the complement: RECQL4 is on the minus strand). VCF-style: chr8-144515786-C-T. GRCh37 (hg19) VCF-style: chr8-145741170-C-T.
Other names: short protein forms W412*.
Identifiers: ClinVar variation 528932 (VCV000528932.5), dbSNP rs1554901674, ClinGen allele CA372687315.
Genomic context (GRCh38, chr8:144,515,786, plus strand): 5'-GTGTTGGCCGGACCCACCCTCCAGGGCAGATGTCTCACCTGGCCGGGGACACTGGGCTGC[C>T]CAGTGATCGAACTGCTCGTTCAGGAAACAAGACTCCTTGGTTGTGACTGTGGCACCACCA-3'

ClinVar aggregate classification (germline): Pathogenic (1 of 4 stars; one submission).

Conditions:
Baller-Gerold syndrome (BGS). Also called: CRANIOSYNOSTOSIS WITH RADIAL DEFECTS. Identifiers: Orphanet 1225, MedGen C0265308, MONDO:0009039, OMIM 218600.

Allele frequency attached by ClinVar (database versions not stated): gnomAD exomes below 0.00001.
gnomAD v4.1: 5 of 1,612,516 alleles (0.00031%); highest among the groups gnomAD compares: Admixed American, 0.0017%; no homozygotes.

Submission:

Labcorp Genetics (formerly Invitae), Labcorp
Classification: Pathogenic for Baller-Gerold syndrome. Last evaluated: 2026-01-26. Review status: criteria provided, single submitter. Criteria: Invitae Variant Classification Sherloc (09022015). Collection method: clinical testing. Allele origin: germline.
Comment: This sequence change creates a premature translational stop signal (p.Trp412*) in the RECQL4 gene. It is expected to result in an absent or disrupted protein product. Loss-of-function variants in RECQL4 are known to be pathogenic (PMID: 12734318, 12952869). This variant is not present in population databases (gnomAD no frequency). This premature translational stop signal has been observed in individual(s) with Rothmund-Thomson syndrome (PMID: 24635570). ClinVar contains an entry for this variant (Variation ID: 528932). Algorithms developed to predict the effect of sequence changes on RNA splicing suggest that this variant may disrupt the consensus splice site. For these reasons, this variant has been classified as Pathogenic.

Literature cited by the submitters: PubMed 12734318; PubMed 12952869; PubMed 24635570.